The following is an entry in ClinVar:

ClinVar aggregate classification (germline): Benign. Review status: criteria provided, multiple submitters, no conflicts (2 of 4 stars). 3 submissions from 3 submitters: Benign (3). Last evaluated 2024-11-26.

Allele frequency attached by ClinVar (database versions not stated): gnomAD exomes 0.12091; gnomAD 0.25295 and 0.25753; TOPMed 0.26321; 1000 Genomes Project 0.29213; 1000 Genomes Project 30x 0.29653; ExAC 0.34508.
gnomAD v4.1: 206,806 of 1,422,780 alleles (15%); highest among the groups gnomAD compares: African/African-American, 55%; 21,881 homozygotes.

Submissions (3):

Blueprint Genetics
Classification: Benign. Last evaluated: 2024-11-26. Review status: criteria provided, single submitter. Criteria: ACMG Guidelines, 2015. Collection method: clinical testing. Allele origin: germline.

GeneDx
Classification: Benign. Last evaluated: 2016-01-14. Review status: criteria provided, single submitter. Criteria: GeneDx Variant Classification (06012015). Collection method: clinical testing. Allele origin: germline. Affected: yes.
Comment: This variant is considered likely benign or benign based on one or more of the following criteria: it is a conservative change, it occurs at a poorly conserved position in the protein, it is predicted to be benign by multiple in silico algorithms, and/or has population frequency not consistent with disease.

Breakthrough Genomics
Classification: Benign. Review status: criteria provided, single submitter. Criteria: ACMG Guidelines, 2015. Collection method: not provided. Allele origin: germline. Inheritance: Autosomal recessive inheritance. Affected: yes.

NM_020631.6(PLEKHG5):c.-88+6307T>A

Gene: PLEKHG5 (pleckstrin homology and RhoGEF domain containing G5; minus strand). Cytogenetic location: 1p36.31.
Variant type: single nucleotide variant.
Coding change: c.-88+6307T>A on transcript NM_020631.6 (MANE Select); 6307 bases into the intron after 88 bases upstream of the start codon, T replaced by A.
Molecular consequence: intron variant. On other transcripts: missense variant (1).
Genome position (GRCh38, 1-based): chr1:6,485,330, A>T on the plus strand (T>A on the coding strand, the complement: PLEKHG5 is on the minus strand). VCF-style: chr1-6485330-A-T. GRCh37 (hg19) VCF-style: chr1-6545390-A-T.
Other names: c.114T>A, p.Asp38Glu (NM_001265593.2); c.-87-7672T>A (NM_198681.4); c.25-7672T>A (NM_001042663.3, NM_001265592.2); c.-88+5115T>A (NM_001265594.3, NM_001042664.2); c.-88+506T>A (NM_001042665.2); short protein forms D38E.
Identifiers: ClinVar variation 380863 (VCV000380863.3), dbSNP rs75490131, ClinGen allele CA562083.